The following is an entry in ClinVar:

NM_007118.4(TRIO):c.7012C>T (p.Pro2338Ser)

Gene: TRIO (trio Rho guanine nucleotide exchange factor; plus strand). Cytogenetic location: 5p15.2.
Variant type: single nucleotide variant.
Coding change: c.7012C>T on transcript NM_007118.4 (MANE Select); coding-DNA position 7012, C replaced by T.
Protein change: p.Pro2338Ser; replaces proline 2338 with serine.
Molecular consequence: missense variant. On other transcripts: non-coding transcript variant (1).
Genome position (GRCh38, 1-based): chr5:14,487,640, C>T. VCF-style: chr5-14487640-C-T. GRCh37 (hg19) VCF-style: chr5-14487749-C-T.
Other names: short protein forms P2338S.
Identifiers: ClinVar variation 3369265 (VCV003369265.1).
Genomic context (GRCh38, chr5:14,487,640, plus strand): 5'-AGCGGCCACAGTGGCGGCCCCAGCAGCTGCGGCGGCGCCCCCAGCACGAGCAGGAGCCGG[C>T]CCTCCCGGATCCCCCAGCCTGTCCGACACCACCCCCCCGTGCTGGTCTCCTCTGCAGCCT-3'
Protein context (NP_009049.2, residues 2328-2348): GGAPSTSRSR[Pro2338Ser]SRIPQPVRHH

ClinVar aggregate classification (germline): Uncertain significance (1 of 4 stars; one submission).

Submission:

GeneDx
Classification: Uncertain significance. Last evaluated: 2024-02-24. Review status: criteria provided, single submitter. Criteria: GeneDx Variant Classification Process June 2021. Collection method: clinical testing. Allele origin: germline. Affected: yes.
Comment: Not observed at significant frequency in large population cohorts (gnomAD); In silico analysis supports that this missense variant does not alter protein structure/function; Has not been previously published as pathogenic or benign to our knowledge